The following is an entry in ClinVar:

NM_001330700.2(TOP2B):c.3212A>G (p.Asn1071Ser)

Gene: TOP2B (DNA topoisomerase II beta; minus strand). Cytogenetic location: 3p24.2.
Variant type: single nucleotide variant.
Coding change: c.3212A>G on transcript NM_001330700.2 (MANE Select); coding-DNA position 3212, A replaced by G.
Protein change: p.Asn1071Ser; replaces asparagine 1071 with serine.
Molecular consequence: missense variant.
Genome position (GRCh38, 1-based): chr3:25,618,701, T>C on the plus strand (A>G on the coding strand, the complement: TOP2B is on the minus strand). VCF-style: chr3-25618701-T-C. GRCh37 (hg19) VCF-style: chr3-25660192-T-C.
Other names: c.3197A>G, p.Asn1066Ser (NM_001068.3); short protein forms N1066S, N1071S.
Identifiers: ClinVar variation 3697783 (VCV003697783.2).
Genomic context (GRCh38, chr3:25,618,701, plus strand): 5'-GGTTGTATCTTACCTATAGTAATTTTCCCTTGTATCTTCTCTAAAATGAAACGGGCTTGA[T>C]TGTTAAGCTTTGTAGATTCTGCTCCCAACATTCCCACAAGCCACTCCTTACGTAAACCGT-3'
Protein context (NP_001317629.1, residues 1061-1081): MLGAESTKLN[Asn1071Ser]QARFILEKIQ

ClinVar aggregate classification (germline): Uncertain significance (1 of 4 stars; one submission).

gnomAD v4.1: 4 of 1,613,406 alleles (0.00025%); highest among the groups gnomAD compares: Non-Finnish European, 0.00025%; no homozygotes.

Submission:

Labcorp Genetics (formerly Invitae), Labcorp
Classification: Uncertain significance. Last evaluated: 2024-09-09. Review status: criteria provided, single submitter. Criteria: Invitae Variant Classification Sherloc (09022015). Collection method: clinical testing. Allele origin: germline.
Comment: This sequence change replaces asparagine, which is neutral and polar, with serine, which is neutral and polar, at codon 1066 of the TOP2B protein (p.Asn1066Ser). This variant is present in population databases (rs751083091, gnomAD 0.01%). This variant has not been reported in the literature in individuals affected with TOP2B-related conditions. An algorithm developed to predict the effect of missense changes on protein structure and function (PolyPhen-2) suggests that this variant is likely to be disruptive. In summary, the available evidence is currently insufficient to determine the role of this variant in disease. Therefore, it has been classified as a Variant of Uncertain Significance.